The following is an entry in ClinVar:

ClinVar aggregate classification (germline): Uncertain significance (1 of 4 stars; one submission).

Conditions:
Bethlem myopathy 1A. Also called: Bethlem myopathy 1; Bethlem Muscular Dystrophy; MYOPATHY, BENIGN CONGENITAL, WITH CONTRACTURES. Identifiers: Orphanet 610, MedGen CN029274, MONDO:0024530, OMIM 158810.

Allele frequency attached by ClinVar (database versions not stated): gnomAD 0.00001; ExAC 0.00007; 1000 Genomes Project 30x 0.00031; 1000 Genomes Project 0.00040.
gnomAD v4.1: 16 of 1,612,900 alleles (0.00099%); highest among the groups gnomAD compares: South Asian, 0.012%; no homozygotes.

Submission:

Labcorp Genetics (formerly Invitae), Labcorp
Classification: Uncertain significance for Bethlem myopathy 1A. Last evaluated: 2023-03-10. Review status: criteria provided, single submitter. Criteria: Invitae Variant Classification Sherloc (09022015). Collection method: clinical testing. Allele origin: germline.
Comment: This variant is present in population databases (rs112645828, gnomAD 0.03%). This variant has not been reported in the literature in individuals affected with COL6A2-related conditions. ClinVar contains an entry for this variant (Variation ID: 1370626). Variants that disrupt the consensus splice site are a relatively common cause of aberrant splicing (PMID: 17576681, 9536098). Algorithms developed to predict the effect of sequence changes on RNA splicing suggest that this variant is not likely to affect RNA splicing. In summary, the available evidence is currently insufficient to determine the role of this variant in disease. Therefore, it has been classified as a Variant of Uncertain Significance. This sequence change falls in intron 24 of the COL6A2 gene. It does not directly change the encoded amino acid sequence of the COL6A2 protein. It affects a nucleotide within the consensus splice site.

Literature cited by the submitters: PubMed 17576681; PubMed 9536098.

NM_001849.4(COL6A2):c.1817-3C>T

Gene: COL6A2 (collagen type VI alpha 2 chain; plus strand). Cytogenetic location: 21q22.3.
Variant type: single nucleotide variant.
Coding change: c.1817-3C>T on transcript NM_001849.4 (MANE Select); 3 bases into the intron before coding-DNA position 1817, C replaced by T.
Molecular consequence: intron variant.
Genome position (GRCh38, 1-based): chr21:46,125,462, C>T. VCF-style: chr21-46125462-C-T. GRCh37 (hg19) VCF-style: chr21-47545376-C-T.
Other names: c.1817-3C>T (NM_058175.3, NM_058174.3).
Identifiers: ClinVar variation 1370626 (VCV001370626.6), dbSNP rs112645828, ClinGen allele CA10072299.